The following is an entry in ClinVar:

ClinVar aggregate classification (germline): Uncertain significance (1 of 4 stars; one submission).

Conditions:
Atrial fibrillation, familial, 14 (ATFB14). Identifiers: MedGen C3809312, MONDO:0014156, OMIM 615378.

Allele frequency attached by ClinVar (database versions not stated): TOPMed below 0.00001; gnomAD exomes 0.00001; ExAC 0.00002.

Submission:

Labcorp Genetics (formerly Invitae), Labcorp
Classification: Uncertain significance for Atrial fibrillation, familial, 14. Last evaluated: 2021-03-07. Review status: criteria provided, single submitter. Criteria: Invitae Variant Classification Sherloc (09022015). Collection method: clinical testing. Allele origin: germline.
Comment: This sequence change replaces threonine with alanine at codon 37 of the SCN2B protein (p.Thr37Ala). The threonine residue is highly conserved and there is a small physicochemical difference between threonine and alanine. This variant is present in population databases (rs761979593, ExAC 0.003%). This variant has not been reported in the literature in individuals with SCN2B-related conditions. Algorithms developed to predict the effect of missense changes on protein structure and function (SIFT, PolyPhen-2, Align-GVGD) all suggest that this variant is likely to be tolerated, but these predictions have not been confirmed by published functional studies and their clinical significance is uncertain. In summary, the available evidence is currently insufficient to determine the role of this variant in disease. Therefore, it has been classified as a Variant of Uncertain Significance.

NM_004588.5(SCN2B):c.109A>G (p.Thr37Ala)

Gene: SCN2B (sodium voltage-gated channel beta subunit 2; minus strand). Cytogenetic location: 11q23.3.
Variant type: single nucleotide variant.
Coding change: c.109A>G on transcript NM_004588.5 (MANE Select); coding-DNA position 109, A replaced by G.
Protein change: p.Thr37Ala; replaces threonine 37 with alanine.
Molecular consequence: missense variant.
Genome position (GRCh38, 1-based): chr11:118,168,713, T>C on the plus strand (A>G on the coding strand, the complement: SCN2B is on the minus strand). VCF-style: chr11-118168713-T-C. GRCh37 (hg19) VCF-style: chr11-118039428-T-C.
Other names: short protein forms T37A.
Identifiers: ClinVar variation 1413325 (VCV001413325.8), dbSNP rs761979593, ClinGen allele CA6300529.